The following is an entry in ClinVar:

NM_004260.4(RECQL4):c.3202G>A (p.Ala1068Thr)

Gene: RECQL4 (RecQ like helicase 4; minus strand). Cytogenetic location: 8q24.3.
Variant type: single nucleotide variant.
Coding change: c.3202G>A on transcript NM_004260.4 (MANE Select); coding-DNA position 3202, G replaced by A.
Protein change: p.Ala1068Thr; replaces alanine 1068 with threonine.
Molecular consequence: missense variant.
Genome position (GRCh38, 1-based): chr8:144,512,178, C>T on the plus strand (G>A on the coding strand, the complement: RECQL4 is on the minus strand). VCF-style: chr8-144512178-C-T. GRCh37 (hg19) VCF-style: chr8-145737561-C-T.
Other names: short protein forms A1068T.
Identifiers: ClinVar variation 1516161 (VCV001516161.6), dbSNP rs1827358772, ClinGen allele CA372669879.

ClinVar aggregate classification (germline): Uncertain significance (1 of 4 stars; one submission).

Conditions:
Baller-Gerold syndrome (BGS). Also called: CRANIOSYNOSTOSIS WITH RADIAL DEFECTS. Identifiers: Orphanet 1225, MedGen C0265308, MONDO:0009039, OMIM 218600.

Allele frequency attached by ClinVar (database versions not stated): gnomAD exomes below 0.00001.
gnomAD v4.1: 3 of 1,611,512 alleles (0.00019%); highest among the groups gnomAD compares: East Asian, 0.0022%; no homozygotes.

Submission:

Labcorp Genetics (formerly Invitae), Labcorp
Classification: Uncertain significance for Baller-Gerold syndrome. Last evaluated: 2024-01-19. Review status: criteria provided, single submitter. Criteria: Invitae Variant Classification Sherloc (09022015). Collection method: clinical testing. Allele origin: germline.
Comment: This sequence change replaces alanine, which is neutral and non-polar, with threonine, which is neutral and polar, at codon 1068 of the RECQL4 protein (p.Ala1068Thr). This variant is not present in population databases (gnomAD no frequency). This variant has not been reported in the literature in individuals affected with RECQL4-related conditions. ClinVar contains an entry for this variant (Variation ID: 1516161). Advanced modeling of protein sequence and biophysical properties (such as structural, functional, and spatial information, amino acid conservation, physicochemical variation, residue mobility, and thermodynamic stability) performed at Invitae indicates that this missense variant is not expected to disrupt RECQL4 protein function with a negative predictive value of 80%. In summary, the available evidence is currently insufficient to determine the role of this variant in disease. Therefore, it has been classified as a Variant of Uncertain Significance.